The following is an entry in ClinVar:

NM_022051.3(EGLN1):c.599C>A (p.Pro200Gln)

Gene: EGLN1 (egl-9 family hypoxia inducible factor 1; minus strand). Cytogenetic location: 1q42.2.
Variant type: single nucleotide variant.
Coding change: c.599C>A on transcript NM_022051.3 (MANE Select); coding-DNA position 599, C replaced by A.
Protein change: p.Pro200Gln; replaces proline 200 with glutamine.
Molecular consequence: missense variant.
Genome position (GRCh38, 1-based): chr1:231,421,290, G>T on the plus strand (C>A on the coding strand, the complement: EGLN1 is on the minus strand). VCF-style: chr1-231421290-G-T. GRCh37 (hg19) VCF-style: chr1-231557036-G-T.
Other names: c.599C>A, p.Pro200Gln (NM_001377260.1, NM_001377261.1); short protein forms P200Q.
Identifiers: ClinVar variation 1750932 (VCV001750932.2), dbSNP rs1259087764, ClinGen allele CA345236385.

ClinVar aggregate classification (germline): Uncertain significance (1 of 4 stars; one submission).

Submission:

Ambry Genetics
Classification: Uncertain significance. Last evaluated: 2020-08-04. Review status: criteria provided, single submitter. Criteria: Ambry Variant Classification Scheme 2023. Collection method: clinical testing. Allele origin: germline.
Comment: The p.P200Q variant (also known as c.599C>A), located in coding exon 1 of the EGLN1 gene, results from a C to A substitution at nucleotide position 599. The proline at codon 200 is replaced by glutamine, an amino acid with similar properties. (Ladroue C et al. Haematologica, 2012 Jan;97:9-14). This amino acid position is highly conserved in available vertebrate species. In addition, this alteration is predicted to be tolerated by in silico analysis. Since supporting evidence is limited at this time, the clinical significance of this alteration remains unclear.

Literature cited by the submitters: PubMed 21933857.